The following is an entry in ClinVar:

NM_006393.3(NEBL):c.2964C>T (p.Asp988=)

Gene: NEBL (nebulette; minus strand). Cytogenetic location: 10p12.31.
Variant type: single nucleotide variant.
Coding change: c.2964C>T on transcript NM_006393.3 (MANE Select); coding-DNA position 2964, C replaced by T.
Protein change: p.Asp988=; no amino-acid change (aspartic acid 988 retained).
Molecular consequence: synonymous variant. On other transcripts: 3 prime UTR variant (1).
Genome position (GRCh38, 1-based): chr10:20,785,828, G>A on the plus strand (C>T on the coding strand, the complement: NEBL is on the minus strand). VCF-style: chr10-20785828-G-A. GRCh37 (hg19) VCF-style: chr10-21074757-G-A.
Other names: c.*55C>T (NM_001173484.2); c.825C>T, p.Asp275= (NM_001377322.1); c.684C>T, p.Asp228= (NM_001377323.1); c.675C>T, p.Asp225= (NM_001377324.1); c.666C>T, p.Asp222= (NM_001377325.1); c.624C>T, p.Asp208= (NM_001377326.1, NM_001377327.1, NM_001377328.1); c.732C>T, p.Asp244= (NM_213569.2).
Identifiers: ClinVar variation 392612 (VCV000392612.42), dbSNP rs144946187, ClinGen allele CA5432261.

ClinVar aggregate classification (germline): Likely benign. Review status: criteria provided, multiple submitters, no conflicts (2 of 4 stars). 7 submissions from 7 submitters: Likely benign (4). 3 of the submissions do not count toward it. Last evaluated 2026-01-25.

Conditions:
Primary dilated cardiomyopathy (DCM). Also called: Dilated Cardiomyopathy. Identifiers: Orphanet 217604, MedGen C0007193, MeSH D002311, MONDO:0005021, HP:0001644. Inheritance: Various modes of inheritance.

Allele frequency attached by ClinVar (database versions not stated): TOPMed 0.00017; gnomAD 0.00020 and 0.00022; gnomAD exomes 0.00020 and 0.00028; ExAC 0.00022; ESP Exome Variant Server 0.00023.
gnomAD v4.1: 439 of 1,613,866 alleles (0.027%); highest among the groups gnomAD compares: East Asian, 0.038%; no homozygotes.

Submissions (7):

Labcorp Genetics (formerly Invitae), Labcorp
Classification: Likely benign for Primary dilated cardiomyopathy. Last evaluated: 2026-01-25. Review status: criteria provided, single submitter. Criteria: Invitae Variant Classification Sherloc (09022015). Collection method: clinical testing. Allele origin: germline.

CeGaT Center for Human Genetics Tuebingen
Classification: Likely benign. Last evaluated: 2022-08-01. Review status: criteria provided, single submitter. Criteria: CeGaT Center For Human Genetics Tuebingen Variant Classification Criteria Version 2. Collection method: clinical testing. Allele origin: germline. Affected: yes. Observed: 1 variant allele.
Comment: NEBL: BP4, BP7

Ambry Genetics
Classification: Likely benign. Last evaluated: 2022-05-16. Review status: criteria provided, single submitter. Criteria: Ambry Variant Classification Scheme 2023. Collection method: clinical testing. Allele origin: germline.

GeneDx
Classification: Likely benign. Last evaluated: 2018-05-07. Review status: criteria provided, single submitter. Criteria: GeneDx Variant Classification Process June 2021. Collection method: clinical testing. Allele origin: germline. Affected: yes.

Clinical Genetics DNA and cytogenetics Diagnostics Lab, Erasmus MC, Erasmus Medical Center
Classification: Likely benign. Review status: no assertion criteria provided. Collection method: clinical testing. Allele origin: germline. Affected: yes. Study: VKGL Data-share Consensus. Not counted in ClinVar's aggregate classification.

Genome Diagnostics Laboratory, University Medical Center Utrecht
Classification: Likely benign. Review status: no assertion criteria provided. Collection method: clinical testing. Allele origin: germline. Affected: yes. Study: VKGL Data-share Consensus. Not counted in ClinVar's aggregate classification.

Joint Genome Diagnostic Labs from Nijmegen and Maastricht, Radboudumc and MUMC+
Classification: Likely benign. Review status: no assertion criteria provided. Collection method: clinical testing. Allele origin: germline. Affected: yes. Study: VKGL Data-share Consensus. Not counted in ClinVar's aggregate classification.